The following is an entry in ClinVar:

ClinVar aggregate classification (germline): Benign/Likely benign. Review status: criteria provided, multiple submitters, no conflicts (2 of 4 stars). 3 submissions from 3 submitters: Benign (2); Likely benign (1). Last evaluated 2025-11-08.

Conditions:
Nystagmus 1, congenital, X-linked. Also called: NYSTAGMUS, INFANTILE PERIODIC ALTERNATING, X-LINKED; NYSTAGMUS, INFANTILE IDIOPATHIC; FRMD7-Related Infantile Nystagmus; NYSTAGMUS 1, INFANTILE, X-LINKED; NYSTAGMUS, CONGENITAL MOTOR, 1. Identifiers: MedGen C1839580, MONDO:0010693, OMIM 310700.

Allele frequency attached by ClinVar (database versions not stated): gnomAD exomes 0.00013 and 0.00080; gnomAD 0.00027 and 0.00034; TOPMed 0.00039; ExAC 0.00059; 1000 Genomes Project 0.00159; 1000 Genomes Project 30x 0.00187.
gnomAD v4.1: 180 of 1,111,118 alleles (0.016%); highest among the groups gnomAD compares: East Asian, 0.47%; 2 homozygotes.

Submissions (3):

Labcorp Genetics (formerly Invitae), Labcorp
Classification: Benign. Last evaluated: 2025-11-08. Review status: criteria provided, single submitter. Criteria: Invitae Variant Classification Sherloc (09022015). Collection method: clinical testing. Allele origin: germline.

Blueprint Genetics
Classification: Likely benign. Last evaluated: 2024-11-07. Review status: criteria provided, single submitter. Criteria: ACMG Guidelines, 2015. Collection method: clinical testing. Allele origin: germline.

Illumina Laboratory Services, Illumina
Classification: Benign for Nystagmus 1, congenital, X-linked. Last evaluated: 2018-01-13. Review status: criteria provided, single submitter. Criteria: ICSL Variant Classification Criteria 13 December 2019. Collection method: clinical testing. Allele origin: germline.
Comment: This variant was observed in the ICSL laboratory as part of a predisposition screen in an ostensibly healthy population. It had not been previously curated by ICSL or reported in the Human Gene Mutation Database (HGMD: prior to June 1st, 2018), and was therefore a candidate for classification through an automated scoring system. Utilizing variant allele frequency, disease prevalence and penetrance estimates, and inheritance mode, an automated score was calculated to assess if this variant is too frequent to cause the disease. Based on the score and internal cut-off values, a variant classified as benign is not then subjected to further curation. The score for this variant resulted in a classification of benign for this disease.

NM_194277.3(FRMD7):c.284+10T>G

Gene: FRMD7 (FERM domain containing 7; minus strand). Cytogenetic location: Xq26.2.
Variant type: single nucleotide variant.
Coding change: c.284+10T>G on transcript NM_194277.3 (MANE Select); 10 bases into the intron after coding-DNA position 284, T replaced by G.
Molecular consequence: intron variant.
Genome position (GRCh38, 1-based): chrX:132,097,256, A>C on the plus strand (T>G on the coding strand, the complement: FRMD7 is on the minus strand). VCF-style: chrX-132097256-A-C. GRCh37 (hg19) VCF-style: chrX-131231284-A-C.
Other names: c.239+10T>G (NM_001306193.2).
Identifiers: ClinVar variation 367912 (VCV000367912.14), dbSNP rs6634867, ClinGen allele CA10519091.